The following is an entry in ClinVar:

ClinVar aggregate classification (germline): Uncertain significance (1 of 4 stars; one submission).

Conditions:
EP300-related disorder. Also called: EP300-related condition; EP300-related disorders.

gnomAD v4.1: 1 of 1,614,180 alleles (0.000062%); highest among the groups gnomAD compares: African/African-American, 0.0013%; no homozygotes.

Submission:

PreventionGenetics, part of Exact Sciences
Classification: Uncertain significance for EP300-related condition. Last evaluated: 2026-05-27. Review status: criteria provided, single submitter. Criteria: ACMG Guidelines, 2015. Collection method: clinical testing. Allele origin: germline.
Comment: The EP300 c.914A>T variant is predicted to result in the amino acid substitution p.Gln305Leu. To our knowledge, this variant has not been reported in the literature or in a large population database (gnomAD), indicating this variant is rare. At this time, the clinical significance of this variant is uncertain due to the absence of conclusive functional and genetic evidence.

NM_001429.4(EP300):c.914A>T (p.Gln305Leu)

Gene: EP300 (EP300 lysine acetyltransferase; plus strand). Cytogenetic location: 22q13.2.
Variant type: single nucleotide variant.
Coding change: c.914A>T on transcript NM_001429.4 (MANE Select); coding-DNA position 914, A replaced by T.
Protein change: p.Gln305Leu; replaces glutamine 305 with leucine.
Molecular consequence: missense variant.
Genome position (GRCh38, 1-based): chr22:41,127,494, A>T. VCF-style: chr22-41127494-A-T. GRCh37 (hg19) VCF-style: chr22-41523498-A-T.
Other names: c.914A>T, p.Gln305Leu (NM_001362843.2); short protein forms Q305L.
Identifiers: ClinVar variation 4994348 (VCV004994348.1).